The following is an entry in ClinVar:

ClinVar aggregate classification (germline): Pathogenic. Review status: criteria provided, multiple submitters, no conflicts (2 of 4 stars). 18 submissions from 16 submitters: Pathogenic (13). 5 of the submissions do not count toward it. Last evaluated 2026-04-17.

Conditions:
TSC1-related disorder. Also called: TSC1-related condition.
Lymphangiomyomatosis (LAM). Also called: Lymphangioleiomyomatosis; Lymphangioleiomyomatosis, somatic. Identifiers: Orphanet 538, MedGen C0751674, MONDO:0011705, OMIM 606690.
Isolated focal cortical dysplasia type II (FCORD2). Also called: Focal cortical dysplasia type II; CORTICAL DYSPLASIA OF TAYLOR. Identifiers: Orphanet 268994, MedGen C1846385, MONDO:0011818, OMIM 607341, HP:0032051.
Tuberous sclerosis 1 (TSC1). Identifiers: Orphanet 805, MedGen C1854465, MONDO:0008612, OMIM 191100.
Tuberous sclerosis syndrome (TSC). Also called: Tuberous Sclerosis Complex; Tuberous sclerosis. Identifiers: Orphanet 805, MedGen C0041341, MONDO:0001734.
Cortical tubers. Identifiers: MedGen C1968959, HP:0009717.
Multiple renal cysts. Identifiers: MedGen C0431718, HP:0005562.
Seizure. Also called: Seizures. Identifiers: MedGen C0036572, HP:0001250.

Submissions (18):

PreventionGenetics, part of Exact Sciences
Classification: Pathogenic for TSC1-related condition. Last evaluated: 2026-04-17. Review status: criteria provided, single submitter. Criteria: ACMG Guidelines, 2015. Collection method: clinical testing. Allele origin: germline.
Comment: The TSC1 c.2509_2512delAACA variant is predicted to result in a frameshift and premature protein termination (p.Asn837Valfs*11). This variant is also described in the literature as 2509delAACA, c.2506_2509del and c.2729_2732delAAAC. It has been reported in multiple individuals with tuberous sclerosis (de novo, Suppl. Table 1, Ding et al. 2020. PubMed ID: 32211034; Verberne et al. 2022. PubMed ID: 35253369; Table S1, Togi et al. 2022. PubMed ID: 36232477; Table S1, Tumienė et al. 2018. PubMed ID: 29286531). This variant has not been reported in a large population database (gnomAD), indicating this variant is rare. It is consistently interpreted as pathogenic in ClinVar (Variation ID: 48971). Frameshift variants in TSC1 are expected to be pathogenic. This variant is interpreted as pathogenic.

Labcorp Genetics (formerly Invitae), Labcorp
Classification: Pathogenic for Tuberous sclerosis 1. Last evaluated: 2026-01-12. Review status: criteria provided, single submitter. Criteria: Invitae Variant Classification Sherloc (09022015). Collection method: clinical testing. Allele origin: germline.
Comment: This sequence change creates a premature translational stop signal (p.Asn837Valfs*11) in the TSC1 gene. It is expected to result in an absent or disrupted protein product. Loss-of-function variants in TSC1 are known to be pathogenic (PMID: 10227394, 17304050). This variant is not present in population databases (gnomAD no frequency). This premature translational stop signal has been observed in individual(s) with tuberous sclerosis (PMID: 9924605, 29286531). This variant is also known as c.2729_2732delAAAC and c.2506_2509del. ClinVar contains an entry for this variant (Variation ID: 48971). For these reasons, this variant has been classified as Pathogenic.

Variantyx, Inc.
Classification: Pathogenic for Tuberous sclerosis 1. Last evaluated: 2025-05-12. Review status: criteria provided, single submitter. Criteria: Variantyx Assertion Criteria 2022. Collection method: clinical testing. Allele origin: germline. Inheritance: Autosomal recessive inheritance. Affected: yes.
Comment: This is a frameshift variant in the TSC1 gene (OMIM: 605284). Pathogenic variants in this gene have been associated with autosomal dominant tuberous sclerosis 1. This variant has been reported in multiple unrelated affected individuals (PMID: 9924605, 35253369, 32211034, 29286531), including at least two de novo cases reported in the published literature; however, the possibility of parental germline mosaicism cannot be excluded (PS2). This variant introduces a premature termination codon in exon 20 out of 23 and is expected to result in loss of function, which is a known disease mechanism for TSC1 in this disorder (PMID: 10227394, 17304050, 23389244) (PVS1). This variant is absent from control populations (PM2). Based on the current evidence, this variant is classified as pathogenic for autosomal dominant tuberous sclerosis 1.

GeneDx
Classification: Pathogenic. Last evaluated: 2024-03-19. Review status: criteria provided, single submitter. Criteria: GeneDx Variant Classification Process June 2021. Collection method: clinical testing. Allele origin: germline. Affected: yes.
Comment: Frameshift variant predicted to result in protein truncation or nonsense mediated decay in a gene for which loss of function is a known mechanism of disease; Not observed at significant frequency in large population cohorts (gnomAD); This variant is associated with the following publications: (PMID: 14756965, 18032745, 15798777, 9924605, 17304050, 10227394, 10363127, 11112665, 32917966, 35253369, 31598950, 29286531, 32211034, 12015165)

Institute for Genomic Medicine (IGM) Clinical Laboratory, Nationwide Children's Hospital
Classification: Pathogenic for Tuberous sclerosis 1. Last evaluated: 2024-02-20. Review status: criteria provided, single submitter. Criteria: ACMG Guidelines, 2015. Collection method: clinical testing. Allele origin: germline.
Comment: This variant is predicted to result in loss of function through nonsense-mediated decay of the encoded transcript or premature truncation of the encoded protein in a gene in which loss of function is a known mechanism of disease (ACMG/AMP: PVS1; PMIDs:10227394, 17304050). This variant has been reported at an elevated frequency in affected individuals/in multiple affected individuals in the literature (ACMG/AMP: PS4_Supporting; PMID:29286531). This variant is absent from or present at an exceedingly low frequency in gnomAD, a large-scale control population database (ACMG/AMP: PM2).

Myriad Genetics, Inc.
Classification: Pathogenic for Tuberous sclerosis 1. Last evaluated: 2023-01-10. Review status: criteria provided, single submitter. Criteria: Myriad Autosomal Dominant, Autosomal Recessive and X-Linked Classification Criteria (2023). Collection method: clinical testing. Allele origin: unknown.
Comment: This variant is considered pathogenic. This variant creates a frameshift predicted to result in premature protein truncation.

Department of Pathology and Laboratory Medicine, Sinai Health System
Classification: Pathogenic for Tuberous sclerosis 1; Lymphangiomyomatosis; Isolated focal cortical dysplasia type II. Last evaluated: 2022-01-18. Review status: criteria provided, single submitter. Criteria: ACMG Guidelines, 2015. Collection method: clinical testing. Allele origin: germline. Affected: yes.

Genome-Nilou Lab
Classification: Pathogenic for Tuberous sclerosis 1. Last evaluated: 2021-11-07. Review status: criteria provided, single submitter. Criteria: ACMG Guidelines, 2015. Collection method: clinical testing. Allele origin: germline. Affected: no.

Blueprint Genetics
Classification: Pathogenic for TSC1-related disorders. Last evaluated: 2021-05-28. Review status: criteria provided, single submitter. Criteria: ACMG Guidelines, 2015. Collection method: clinical testing. Allele origin: germline. Affected: yes. Observed: 1 variant allele.

Centre for Mendelian Genomics, University Medical Centre Ljubljana
Classification: Pathogenic for Lymphangiomyomatosis. Last evaluated: 2016-01-01. Review status: criteria provided, single submitter. Criteria: ACMG Guidelines, 2015. Collection method: clinical testing. Allele origin: unknown. Affected: yes.
Comment: This variant was classified as: Pathogenic.

Athena Diagnostics
Classification: Pathogenic for Tuberous sclerosis 1. Last evaluated: 2014-07-30. Review status: criteria provided, single submitter. Criteria: Athena Diagnostics Criteria. Collection method: clinical testing. Allele origin: germline. Inheritance: Autosomal dominant inheritance.

Centre for Mendelian Genomics, University Medical Centre Ljubljana
Classification: Pathogenic for Cortical tubers; Multiple renal cysts; Seizure. Last evaluated: 2014-03-27. Review status: criteria provided, single submitter. Criteria: ACMG Guidelines, 2015. Collection method: clinical testing. Allele origin: unknown. Affected: yes.

Oasi Research Institute-IRCCS
Classification: Pathogenic for Tuberous sclerosis 1. Review status: criteria provided, single submitter. Criteria: ACMG Guidelines, 2015. Collection method: research. Allele origin: de novo. Affected: yes.
Comment: The genomic variant c.2509_2512delAACA is a frameshift deletion that results in a premature termination codon. It is expected to result in protein truncation or nonsense mediated decay. ACMG criteria: PVS1 (LOF), PP4 (phenotype match), PM2 (absent from controls), PP3 (in silico evidence), PS2 (de novo) = Pathogenic. Based on the evidence outlined above, the variant was classified as Pathogenic.

Division of Genomic Medicine, Department of Advanced Medicine, Medical Research Institute, Kanazawa Medical University
Classification: Pathogenic for Tuberous sclerosis 1. Last evaluated: 2020-06-09. Review status: no assertion criteria provided. Collection method: clinical testing. Allele origin: germline. Affected: yes. Observed: 1 variant allele. Not counted in ClinVar's aggregate classification.

Clinical Genetics DNA and cytogenetics Diagnostics Lab, Erasmus MC, Erasmus Medical Center
Classification: Pathogenic. Review status: no assertion criteria provided. Collection method: clinical testing. Allele origin: germline. Affected: yes. Study: VKGL Data-share Consensus. Not counted in ClinVar's aggregate classification.

Genome Diagnostics Laboratory, Amsterdam University Medical Center
Classification: Pathogenic. Review status: no assertion criteria provided. Collection method: clinical testing. Allele origin: germline. Affected: yes. Study: VKGL Data-share Consensus. Not counted in ClinVar's aggregate classification.

Tuberous sclerosis database (TSC1)
No classification provided. Condition: TSC. Review status: no classification provided. Criteria: Tuberous Sclerosis Database Assertion Criteria 2015. Collection method: curation. Allele origin: germline. Affected: yes. Not counted in ClinVar's aggregate classification.

Tuberous sclerosis database (TSC1)
No classification provided. Condition: TSC. Review status: flagged submission. Criteria: Tuberous Sclerosis Database Assertion Criteria 2015. Collection method: curation. Allele origin: germline. Affected: yes. Not counted in ClinVar's aggregate classification.
ClinVar note: Reason: This record appears to be redundant with a more recent record from the same submitter.
ClinVar note: Notes: SCV000066007 appears to be redundant with SCV000066008.

Literature cited by the submitters: PubMed 10227394 (cited by 4 submitters); PubMed 17304050 (cited by 3 submitters); PubMed 9924605 (cited by 4 submitters); PubMed 29286531 (cited by 3 submitters); PubMed 35253369 (cited by Variantyx, Inc.); PubMed 23389244 (cited by Variantyx, Inc.); PubMed 32211034 (cited by Variantyx, Inc.); PubMed 10363127 (cited by Athena Diagnostics).

NM_000368.5(TSC1):c.2509_2512del (p.Asn837fs)

Gene: TSC1 (TSC complex subunit 1; minus strand). Cytogenetic location: 9q34.13.
Variant type: Deletion.
Coding change: c.2509_2512del on transcript NM_000368.5 (MANE Select); coding-DNA positions 2509 to 2512, 4 bases deleted (AACA; older notation c.2509_2512delAACA).
Protein change: p.Asn837fs; shifts the reading frame from asparagine 837.
Molecular consequence: frameshift variant.
Genome position (GRCh38, 1-based): chr9:132,900,828-132,900,831, TGTT deleted on the plus strand (AACA on the coding strand, the reverse complement: TSC1 is on the minus strand); deleting any 4 consecutive bases within chr9:132,900,828-132,900,833 gives the same sequence; the c. name uses the placement nearest the transcript's 3' end. VCF-style (leftmost placement, unchanged base first): chr9-132900827-CTGTT-C. GRCh37 (hg19) VCF-style: chr9-135776214-CTGTT-C.
Other names: c.2509_2512delAACA (NM_000368.4, NM_000368.5); c.2506_2509del, p.Asn836fs (NM_001162426.2); c.2356_2359del, p.Asn786fs (NM_001162427.2); c.2146_2149del, p.Asn716fs (NM_001362177.2); short protein forms N716fs, N837fs, N786fs, N836fs.
Identifiers: ClinVar variation 48971 (VCV000048971.28), dbSNP rs118203707, ClinGen allele CA006569.